The following is an entry in ClinVar:

NM_001100913.3(PACS2):c.1683G>C (p.Gln561His)

Gene: PACS2 (phosphofurin acidic cluster sorting protein 2; plus strand). Cytogenetic location: 14q32.33.
Variant type: single nucleotide variant.
Coding change: c.1683G>C on transcript NM_001100913.3 (MANE Select); coding-DNA position 1683, G replaced by C.
Protein change: p.Gln561His; replaces glutamine 561 with histidine.
Molecular consequence: missense variant.
Genome position (GRCh38, 1-based): chr14:105,383,416, G>C. VCF-style: chr14-105383416-G-C. GRCh37 (hg19) VCF-style: chr14-105849753-G-C.
Other names: c.1446G>C, p.Gln482His (NM_001243127.3); c.1671G>C, p.Gln557His (NM_015197.4); short protein forms Q557H, Q561H, Q482H.
Identifiers: ClinVar variation 1383700 (VCV001383700.6), dbSNP rs2081061973, ClinGen allele CA391183730.

ClinVar aggregate classification (germline): Uncertain significance (1 of 4 stars; one submission).

Submission:

Labcorp Genetics (formerly Invitae), Labcorp
Classification: Uncertain significance. Last evaluated: 2026-01-12. Review status: criteria provided, single submitter. Criteria: Invitae Variant Classification Sherloc (09022015). Collection method: clinical testing. Allele origin: germline.
Comment: This sequence change replaces glutamine, which is neutral and polar, with histidine, which is basic and polar, at codon 561 of the PACS2 protein (p.Gln561His). This variant is not present in population databases (gnomAD no frequency). This variant has not been reported in the literature in individuals affected with PACS2-related conditions. ClinVar contains an entry for this variant (Variation ID: 1383700). Invitae Evidence Modeling of protein sequence and biophysical properties (such as structural, functional, and spatial information, amino acid conservation, physicochemical variation, residue mobility, and thermodynamic stability) indicates that this missense variant is not expected to disrupt PACS2 protein function with a negative predictive value of 80%. In summary, the available evidence is currently insufficient to determine the role of this variant in disease. Therefore, it has been classified as a Variant of Uncertain Significance.